The following is an entry in ClinVar:

ClinVar aggregate classification (germline): Uncertain significance (1 of 4 stars; one submission).

Conditions:
Familial temporal lobe epilepsy 7. Identifiers: Orphanet 101046, MedGen C4225327, MONDO:0014639, OMIM 616436.
Norman-Roberts syndrome (LIS2). Also called: Lissencephaly 2 (Norman-Roberts type). Identifiers: Orphanet 89844, MedGen C0796089, MONDO:0009760, OMIM 257320.

Allele frequency attached by ClinVar (database versions not stated): gnomAD exomes 0.00001.
gnomAD v4.1: 10 of 1,614,040 alleles (0.00062%); highest among the groups gnomAD compares: Non-Finnish European, 0.00085%; no homozygotes.

Submission:

Labcorp Genetics (formerly Invitae), Labcorp
Classification: Uncertain significance for Familial temporal lobe epilepsy 7; Norman-Roberts syndrome. Last evaluated: 2023-12-22. Review status: criteria provided, single submitter. Criteria: Invitae Variant Classification Sherloc (09022015). Collection method: clinical testing. Allele origin: germline.
Comment: This sequence change replaces aspartic acid, which is acidic and polar, with valine, which is neutral and non-polar, at codon 1283 of the RELN protein (p.Asp1283Val). This variant is not present in population databases (gnomAD no frequency). This variant has not been reported in the literature in individuals affected with RELN-related conditions. ClinVar contains an entry for this variant (Variation ID: 1521249). Advanced modeling of protein sequence and biophysical properties (such as structural, functional, and spatial information, amino acid conservation, physicochemical variation, residue mobility, and thermodynamic stability) performed at Invitae indicates that this missense variant is not expected to disrupt RELN protein function with a negative predictive value of 80%. In summary, the available evidence is currently insufficient to determine the role of this variant in disease. Therefore, it has been classified as a Variant of Uncertain Significance.

NM_005045.4(RELN):c.3848A>T (p.Asp1283Val)

Gene: RELN (reelin; minus strand). Cytogenetic location: 7q22.1.
Variant type: single nucleotide variant.
Coding change: c.3848A>T on transcript NM_005045.4 (MANE Select); coding-DNA position 3848, A replaced by T.
Protein change: p.Asp1283Val; replaces aspartic acid 1283 with valine.
Molecular consequence: missense variant.
Genome position (GRCh38, 1-based): chr7:103,593,746, T>A on the plus strand (A>T on the coding strand, the complement: RELN is on the minus strand). VCF-style: chr7-103593746-T-A. GRCh37 (hg19) VCF-style: chr7-103234193-T-A.
Other names: c.3848A>T, p.Asp1283Val (NM_173054.3); short protein forms D1283V.
Identifiers: ClinVar variation 1521249 (VCV001521249.8), dbSNP rs2117248656, ClinGen allele CA368757132.